The following is an entry in ClinVar:

NM_001113378.2(FANCI):c.2813A>G (p.Asp938Gly)

Gene: FANCI (FA complementation group I; plus strand). Cytogenetic location: 15q26.1.
Variant type: single nucleotide variant.
Coding change: c.2813A>G on transcript NM_001113378.2 (MANE Select); coding-DNA position 2813, A replaced by G.
Protein change: p.Asp938Gly; replaces aspartic acid 938 with glycine.
Molecular consequence: missense variant.
Genome position (GRCh38, 1-based): chr15:89,300,309, A>G. VCF-style: chr15-89300309-A-G. GRCh37 (hg19) VCF-style: chr15-89843540-A-G.
Other names: c.2534A>G, p.Asp845Gly (NM_001376910.1); c.2813A>G, p.Asp938Gly (NM_001376911.1); c.2633A>G, p.Asp878Gly (NM_018193.3); short protein forms D938G, D878G, D845G.
Identifiers: ClinVar variation 408234 (VCV000408234.7), dbSNP rs1060501898, ClinGen allele CA16614935.
Genomic context (GRCh38, chr15:89,300,309, plus strand): 5'-AAAAGTATGAGTTTATATCAAAGAAGACAAGAGTTTCTTTTCCATTCCTAGATGTCACAG[A>G]TAAGGAAGGAGAAGAGAGAGAAGATGCAGATGTCAGTGTCACTCAGAGAACAGCATTCCA-3'
Protein context (NP_001106849.1, residues 928-948): QQFLRALDVT[Asp938Gly]KEGEEREDAD

ClinVar aggregate classification (germline): Uncertain significance. Review status: criteria provided, multiple submitters, no conflicts (2 of 4 stars). 3 submissions from 3 submitters: Uncertain significance (3). Last evaluated 2024-06-19.

Conditions:
Inborn genetic diseases. Identifiers: MedGen C0950123, MeSH D030342.
Fanconi anemia (FA). Also called: Fanconi's anemia. Identifiers: Orphanet 84, MedGen C0015625, MeSH D005199, MONDO:0019391.
Fanconi anemia complementation group I (FANCI). Also called: FANCI-Related Fanconi Anemia. Identifiers: Orphanet 84, MedGen C1836861, MONDO:0012186, OMIM 609053.

Allele frequency attached by ClinVar (database versions not stated): TOPMed below 0.00001; gnomAD 0.00001; gnomAD exomes 0.00001 and 0.00002.
gnomAD v4.1: 13 of 1,613,532 alleles (0.00081%); highest among the groups gnomAD compares: East Asian, 0.013%; no homozygotes.

Submissions (3):

ARUP Laboratories, Molecular Genetics and Genomics, ARUP Laboratories
Classification: Uncertain significance for Fanconi anemia complementation group I. Last evaluated: 2024-06-19. Review status: criteria provided, single submitter. Criteria: ARUP Molecular Germline Variant Investigation Process 2024. Collection method: clinical testing. Allele origin: germline.

Ambry Genetics
Classification: Uncertain significance for Inborn genetic diseases. Last evaluated: 2024-01-09. Review status: criteria provided, single submitter. Criteria: Ambry Variant Classification Scheme 2023. Collection method: clinical testing. Allele origin: germline.

Labcorp Genetics (formerly Invitae), Labcorp
Classification: Uncertain significance for Fanconi anemia. Last evaluated: 2021-08-27. Review status: criteria provided, single submitter. Criteria: Invitae Variant Classification Sherloc (09022015). Collection method: clinical testing. Allele origin: germline.
Comment: This sequence change replaces aspartic acid with glycine at codon 938 of the FANCI protein (p.Asp938Gly). The aspartic acid residue is weakly conserved and there is a moderate physicochemical difference between aspartic acid and glycine. This variant is not present in population databases (ExAC no frequency). This variant has not been reported in the literature in individuals affected with FANCI-related conditions. Algorithms developed to predict the effect of missense changes on protein structure and function output the following: SIFT: "Tolerated"; PolyPhen-2: "Benign"; Align-GVGD: "Class C0". The glycine amino acid residue is found in multiple mammalian species, which suggests that this missense change does not adversely affect protein function. Algorithms developed to predict the effect of sequence changes on RNA splicing suggest that this variant may create or strengthen a splice site. In summary, the available evidence is currently insufficient to determine the role of this variant in disease. Therefore, it has been classified as a Variant of Uncertain Significance.